The following is an entry in ClinVar:

NM_007294.4(BRCA1):c.5215G>T (p.Asp1739Tyr)

Gene: BRCA1 (BRCA1 DNA repair associated; minus strand). Cytogenetic location: 17q21.31.
Variant type: single nucleotide variant.
Coding change: c.5215G>T on transcript NM_007294.4 (MANE Select); coding-DNA position 5215, G replaced by T.
Protein change: p.Asp1739Tyr; replaces aspartic acid 1739 with tyrosine.
Molecular consequence: missense variant. On other transcripts: non-coding transcript variant (1).
Genome position (GRCh38, 1-based): chr17:43,057,114, C>A on the plus strand (G>T on the coding strand, the complement: BRCA1 is on the minus strand). VCF-style: chr17-43057114-C-A. GRCh37 (hg19) VCF-style: chr17-41209131-C-A.
Other names: c.4951G>T, p.Asp1651Tyr (NM_001407926.1, NM_001407920.1, NM_001407921.1 and 4 more transcripts); c.4948G>T, p.Asp1650Tyr (NM_001407927.1, NM_001407928.1, NM_001407929.1 and 4 more transcripts); c.4945G>T, p.Asp1649Tyr (NM_001407934.1, NM_001407935.1, NM_001407936.1); c.5155G>T, p.Asp1719Tyr (NM_001407649.1); c.5137G>T, p.Asp1713Tyr (NM_001407652.1, NM_001407653.1, NM_001407654.1 and 1 more transcripts); c.5134G>T, p.Asp1712Tyr (NM_001407656.1, NM_001407657.1, NM_001407658.1); c.5131G>T, p.Asp1711Tyr (NM_001407659.1, NM_001407660.1, NM_001407661.1 and 2 more transcripts); c.5209G>T, p.Asp1737Tyr (NM_001407861.1, NM_001407629.1, NM_001407630.1 and 14 more transcripts); and 72 more; short protein forms D1739Y, D1692Y, D635Y, D1760Y, D1570Y, D1611Y, D1612Y, D1650Y.
Identifiers: ClinVar variation 55464 (VCV000055464.12), dbSNP rs80357283, ClinGen allele CA003366.
Genomic context (GRCh38, chr17:43,057,114, plus strand): 5'-TTCTGTCCTGGGATTCTCTTGCTCGCTTTGGACCTTGGTGGTTTCTTCCATTGACCACAT[C>A]TCCTCTGACTTCAAAATCATGCTGAAAGAAACCAAACACAACCCATCAGGATAAGAGAAA-3'
Protein context (NP_009225.1, residues 1729-1749): LNEHDFEVRG[Asp1739Tyr]VVNGRNHQGP

ClinVar aggregate classification (germline): Pathogenic/Likely pathogenic. Review status: criteria provided, multiple submitters, no conflicts (2 of 4 stars). 4 submissions from 4 submitters: Pathogenic (1); Likely pathogenic (2). 1 of the submissions does not count toward it. Last evaluated 2025-11-10.

Conditions:
Hereditary cancer-predisposing syndrome. Also called: Hereditary Cancer Syndrome; Hereditary neoplastic syndrome; Neoplastic Syndromes, Hereditary; Tumor predisposition. Identifiers: Orphanet 140162, MedGen C0027672, MeSH D009386, MONDO:0015356.
Breast-ovarian cancer, familial, susceptibility to, 1 (BROVCA1). Also called: BRCA1 Hereditary Breast and Ovarian Cancer; OVARIAN CANCER, SUSCEPTIBILITY TO. Identifiers: Orphanet 145, MedGen C2676676, MONDO:0011450, OMIM 604370. Disease mechanism: loss of function.
Hereditary breast ovarian cancer syndrome. Also called: BRCA1- and BRCA2-Associated Hereditary Breast and Ovarian Cancer; Hereditary breast and ovarian cancer syndrome; Hereditary breast and ovarian cancer syndrome (HBOC); Breast and ovarian cancer; Hereditary breast and/or ovarian cancer syndrome; Hereditary breast and ovarian cancer. Identifiers: Orphanet 145, MedGen C0677776, MeSH D061325, MONDO:0003582. Disease mechanism: loss of function.

Submissions (5):

Ambry Genetics
Classification: Pathogenic for Hereditary cancer-predisposing syndrome. Last evaluated: 2025-11-10. Review status: criteria provided, single submitter. Criteria: Ambry Variant Classification Scheme 2023. Collection method: clinical testing. Allele origin: germline.
Comment: The p.D1739Y pathogenic mutation (also known as c.5215G>T), located in coding exon 18 of the BRCA1 gene, results from a G to T substitution at nucleotide position 5215. The aspartic acid at codon 1739 is replaced by tyrosine, an amino acid with highly dissimilar properties. One functional study found that this nucleotide substitution is non-functional in a high throughput genome editing haploid cell survival assay (Findlay GM et al. Nature, 2018 Oct;562:217-222). Other variant(s) at the same codon, p.D1739H (c.5215G>C), p.D1739G (c.5216A>G), were non-functional in a high-throughput, genome editing, haploid cell survival assay (Findlay GM et al. Nature, 2018 10;562:217-222). This amino acid position is highly conserved in available vertebrate species. In addition, this alteration is predicted to be deleterious by in silico analysis. This variant is considered to be rare based on population cohorts in the Genome Aggregation Database (gnomAD). Based on the supporting evidence, this variant is interpreted as a disease-causing mutation.

Labcorp Genetics (formerly Invitae), Labcorp
Classification: Likely pathogenic for Hereditary breast ovarian cancer syndrome. Last evaluated: 2024-08-07. Review status: criteria provided, single submitter. Criteria: Invitae Variant Classification Sherloc (09022015). Collection method: clinical testing. Allele origin: germline.
Comment: This sequence change replaces aspartic acid, which is acidic and polar, with tyrosine, which is neutral and polar, at codon 1739 of the BRCA1 protein (p.Asp1739Tyr). This variant is not present in population databases (gnomAD no frequency). This missense change has been observed in individual(s) with breast cancer (PMID: 12497638). ClinVar contains an entry for this variant (Variation ID: 55464). Advanced modeling performed at Invitae incorporating data from internal and/or published experimental studies (PMID: 30209399) indicates that this missense variant is expected to disrupt BRCA1 function with a positive predictive value of 95%. This variant disrupts the p.Asp1739 amino acid residue in BRCA1. Other variant(s) that disrupt this residue have been determined to be pathogenic (PMID: 9333265, 12827452, 30209399, 32546644). This suggests that this residue is clinically significant, and that variants that disrupt this residue are likely to be disease-causing. In summary, the currently available evidence indicates that the variant is pathogenic, but additional data are needed to prove that conclusively. Therefore, this variant has been classified as Likely Pathogenic.

Molecular Endocrinology Laboratory, Christian Medical College
Classification: Likely pathogenic for Breast-ovarian cancer, familial, susceptibility to, 1. Review status: criteria provided, single submitter. Criteria: ACMG Guidelines, 2015. Collection method: clinical testing. Allele origin: germline. Affected: yes.

Breast Cancer Information Core (BIC) (BRCA1)
Classification: Uncertain significance for Breast-ovarian cancer, familial 1. Last evaluated: 2002-05-29. Review status: no assertion criteria provided. Collection method: clinical testing. Allele origin: germline. Affected: yes. Observed: 1 variant allele. Not counted in ClinVar's aggregate classification.

Brotman Baty Institute, University of Washington
No classification provided (evidence only). Condition: Breast-ovarian cancer, familial 1. Review status: no classification provided. Collection method: in vitro. Allele origin: not applicable. Functional consequence: functionally_abnormal. Not counted in ClinVar's aggregate classification.
ClinVar note: "not provided" was previously submitted as the classification for the variant. However, the classification appeared to be based only on an observation of functional data so it was converted to no classification on 2025-07-30.

Literature cited by the submitters: PubMed 30209399 (cited by 3 submitters); PubMed 12497638 (cited by Labcorp Genetics (formerly Invitae), Labcorp); PubMed 9333265 (cited by Labcorp Genetics (formerly Invitae), Labcorp); PubMed 12827452 (cited by Labcorp Genetics (formerly Invitae), Labcorp); PubMed 32546644 (cited by Labcorp Genetics (formerly Invitae), Labcorp).